The following is an entry in ClinVar:

ClinVar aggregate classification (germline): Uncertain significance (1 of 4 stars; one submission).

Submission:

GeneDx
Classification: Uncertain significance. Last evaluated: 2019-11-08. Review status: criteria provided, single submitter. Criteria: GeneDx Variant Classification Process June 2021. Collection method: clinical testing. Allele origin: germline. Affected: yes.
Comment: Not observed in large population cohorts (Lek 2016); In silico analysis, which includes protein predictors and evolutionary conservation, supports a deleterious effect; Has not been previously published as pathogenic or benign to our knowledge

NM_032043.3(BRIP1):c.3400C>T (p.Pro1134Ser)

Gene: BRIP1 (BRCA1 interacting helicase 1; minus strand). Cytogenetic location: 17q23.2.
Variant type: single nucleotide variant.
Coding change: c.3400C>T on transcript NM_032043.3 (MANE Select); coding-DNA position 3400, C replaced by T.
Protein change: p.Pro1134Ser; replaces proline 1134 with serine.
Molecular consequence: missense variant.
Genome position (GRCh38, 1-based): chr17:61,683,646, G>A on the plus strand (C>T on the coding strand, the complement: BRIP1 is on the minus strand). VCF-style: chr17-61683646-G-A. GRCh37 (hg19) VCF-style: chr17-59761007-G-A.
Other names: short protein forms P1134S.
Identifiers: ClinVar variation 1321103 (VCV001321103.2), dbSNP rs866610891, ClinGen allele CA292267279.